The following is an entry in ClinVar:

NM_032776.3(JMJD1C):c.1039C>G (p.His347Asp)

Gene: JMJD1C (jumonji domain containing 1C; minus strand). Cytogenetic location: 10q21.3.
Variant type: single nucleotide variant.
Coding change: c.1039C>G on transcript NM_032776.3 (MANE Select); coding-DNA position 1039, C replaced by G.
Protein change: p.His347Asp; replaces histidine 347 with aspartic acid.
Molecular consequence: missense variant. On other transcripts: non-coding transcript variant (1).
Genome position (GRCh38, 1-based): chr10:63,215,128, G>C on the plus strand (C>G on the coding strand, the complement: JMJD1C is on the minus strand). VCF-style: chr10-63215128-G-C. GRCh37 (hg19) VCF-style: chr10-64974888-G-C.
Other names: c.493C>G, p.His165Asp (NM_001282948.2, NM_001318154.2); c.175C>G, p.His59Asp (NM_001318153.2); c.925C>G, p.His309Asp (NM_001322252.2); c.382C>G, p.His128Asp (NM_001322254.2, NM_001322258.2); short protein forms H128D, H165D, H59D, H309D, H347D.
Identifiers: ClinVar variation 1906772 (VCV001906772.5), dbSNP rs1375930091, ClinGen allele CA377050701.

ClinVar aggregate classification (germline): Uncertain significance (1 of 4 stars; one submission).

Conditions:
Early Myoclonic Encephalopathy. Identifiers: MedGen C0270855.

Allele frequency attached by ClinVar (database versions not stated): TOPMed below 0.00001.
gnomAD v4.1: 2 of 1,565,206 alleles (0.00013%); highest among the groups gnomAD compares: Middle Eastern, 0.034%; 1 homozygote.

Submission:

Labcorp Genetics (formerly Invitae), Labcorp
Classification: Uncertain significance for Early Myoclonic Encephalopathy. Last evaluated: 2022-07-05. Review status: criteria provided, single submitter. Criteria: Invitae Variant Classification Sherloc (09022015). Collection method: clinical testing. Allele origin: germline.
Comment: Algorithms developed to predict the effect of missense changes on protein structure and function are either unavailable or do not agree on the potential impact of this missense change (SIFT: "Deleterious"; PolyPhen-2: "Benign"; Align-GVGD: "Class C0"). This variant has not been reported in the literature in individuals affected with JMJD1C-related conditions. This variant is not present in population databases (gnomAD no frequency). This sequence change replaces histidine, which is basic and polar, with aspartic acid, which is acidic and polar, at codon 347 of the JMJD1C protein (p.His347Asp). In summary, the available evidence is currently insufficient to determine the role of this variant in disease. Therefore, it has been classified as a Variant of Uncertain Significance.